The following is an entry in ClinVar:

NM_000136.3(FANCC):c.271A>G (p.Ile91Val)

Gene: FANCC (FA complementation group C; minus strand). Cytogenetic location: 9q22.32.
Variant type: single nucleotide variant.
Coding change: c.271A>G on transcript NM_000136.3 (MANE Select); coding-DNA position 271, A replaced by G.
Protein change: p.Ile91Val; replaces isoleucine 91 with valine.
Molecular consequence: missense variant.
Genome position (GRCh38, 1-based): chr9:95,240,723, T>C on the plus strand (A>G on the coding strand, the complement: FANCC is on the minus strand). VCF-style: chr9-95240723-T-C. GRCh37 (hg19) VCF-style: chr9-98003005-T-C.
Other names: c.271A>G, p.Ile91Val (NM_001243743.2, NM_001243744.2); short protein forms I91V.
Identifiers: ClinVar variation 449254 (VCV000449254.19), dbSNP rs771619614, ClinGen allele CA5137785.

ClinVar aggregate classification (germline): Conflicting classifications of pathogenicity. Review status: criteria provided, conflicting classifications (1 of 4 stars). 5 submissions from 5 submitters: Uncertain significance (3); Likely benign (1). 1 of the submissions does not count toward it. Last evaluated 2024-05-22.

Conditions:
Hereditary cancer-predisposing syndrome. Also called: Neoplastic Syndromes, Hereditary; Hereditary neoplastic syndrome; Hereditary Cancer Syndrome; Tumor predisposition. Identifiers: Orphanet 140162, MedGen C0027672, MeSH D009386, MONDO:0015356.
Fanconi anemia (FA). Also called: Fanconi's anemia. Identifiers: Orphanet 84, MedGen C0015625, MeSH D005199, MONDO:0019391.
Fanconi anemia complementation group C (FANCC). Also called: FANCONI PANCYTOPENIA, TYPE 3; FACC; FANCC-Related Fanconi Anemia; Fanconi anemia, group C. Identifiers: Orphanet 84, MedGen C3468041, MONDO:0009213, OMIM 227645.

Allele frequency attached by ClinVar (database versions not stated): ExAC 0.00001; gnomAD 0.00001; gnomAD exomes 0.00002 and 0.00007; TOPMed 0.00002.
gnomAD v4.1: 96 of 1,612,042 alleles (0.006%); highest among the groups gnomAD compares: Non-Finnish European, 0.0079%; no homozygotes.

Submissions (5):

Labcorp Genetics (formerly Invitae), Labcorp
Classification: Uncertain significance for Fanconi anemia. Last evaluated: 2024-05-22. Review status: criteria provided, single submitter. Criteria: Invitae Variant Classification Sherloc (09022015). Collection method: clinical testing. Allele origin: germline.
Comment: This sequence change replaces isoleucine, which is neutral and non-polar, with valine, which is neutral and non-polar, at codon 91 of the FANCC protein (p.Ile91Val). This variant is present in population databases (rs771619614, gnomAD 0.006%). This variant has not been reported in the literature in individuals affected with FANCC-related conditions. ClinVar contains an entry for this variant (Variation ID: 449254). Advanced modeling of protein sequence and biophysical properties (such as structural, functional, and spatial information, amino acid conservation, physicochemical variation, residue mobility, and thermodynamic stability) performed at Invitae indicates that this missense variant is not expected to disrupt FANCC protein function with a negative predictive value of 80%. In summary, the available evidence is currently insufficient to determine the role of this variant in disease. Therefore, it has been classified as a Variant of Uncertain Significance.

GeneDx
Classification: Uncertain significance. Last evaluated: 2024-02-01. Review status: criteria provided, single submitter. Criteria: GeneDx Variant Classification Process June 2021. Collection method: clinical testing. Allele origin: germline. Affected: yes.
Comment: In silico analysis supports that this missense variant does not alter protein structure/function; Not observed in any cases, but was observed in unaffected controls from a melanoma study (PMID: 29641532); This variant is associated with the following publications: (PMID: Gordon2000[Book], 29641532)

Ambry Genetics
Classification: Likely benign for Hereditary cancer-predisposing syndrome. Last evaluated: 2023-10-26. Review status: criteria provided, single submitter. Criteria: Ambry Variant Classification Scheme 2023. Collection method: clinical testing. Allele origin: germline.

Department of Pathology and Laboratory Medicine, Sinai Health System
Classification: Uncertain significance for Fanconi anemia complementation group C. Last evaluated: 2020-11-26. Review status: criteria provided, single submitter. Criteria: ACMG Guidelines, 2015. Collection method: clinical testing. Allele origin: germline. Affected: no.

Natera, Inc.
Classification: Uncertain significance for Fanconi anemia. Last evaluated: 2018-10-18. Review status: no assertion criteria provided. Collection method: clinical testing. Allele origin: germline. Not counted in ClinVar's aggregate classification.

Literature cited by the submitters: PubMed 29641532 (cited by Ambry Genetics); PubMed 32546565 (cited by Ambry Genetics).